The following is an entry in ClinVar:

ClinVar aggregate classification (germline): Conflicting classifications of pathogenicity. Review status: criteria provided, conflicting classifications (1 of 4 stars). 6 submissions from 6 submitters: Uncertain significance (1); Likely benign (4). 1 of the submissions does not count toward it. Last evaluated 2025-10-24.

Conditions:
TSEN34-related disorder. Also called: TSEN34-related condition.
Pontoneocerebellar hypoplasia. Also called: Non-syndromic pontocerebellar hypoplasia; Pontocerebellar hypoplasia. Identifiers: Orphanet 98523, MedGen C1261175, MONDO:0020135.

Allele frequency attached by ClinVar (database versions not stated): gnomAD 0.00001 and 0.00002; TOPMed 0.00004; ExAC 0.00009; 1000 Genomes Project 30x 0.00016.
gnomAD v4.1: 139 of 1,614,052 alleles (0.0086%); highest among the groups gnomAD compares: Middle Eastern, 0.067%; 2 homozygotes.

Submissions (6):

Labcorp Genetics (formerly Invitae), Labcorp
Classification: Likely benign. Last evaluated: 2025-10-24. Review status: criteria provided, single submitter. Criteria: Invitae Variant Classification Sherloc (09022015). Collection method: clinical testing. Allele origin: germline.

GeneDx
Classification: Likely benign. Last evaluated: 2021-04-20. Review status: criteria provided, single submitter. Criteria: GeneDx Variant Classification Process June 2021. Collection method: clinical testing. Allele origin: germline. Affected: yes.

CeGaT Center for Human Genetics Tuebingen
Classification: Likely benign. Last evaluated: 2020-10-01. Review status: criteria provided, single submitter. Criteria: CeGaT Center For Human Genetics Tuebingen Variant Classification Criteria Version 2. Collection method: clinical testing. Allele origin: germline. Affected: yes. Observed: 1 variant allele.

Illumina Laboratory Services, Illumina
Classification: Uncertain significance for Pontoneocerebellar hypoplasia. Last evaluated: 2018-01-12. Review status: criteria provided, single submitter. Criteria: ICSL Variant Classification Criteria 13 December 2019. Collection method: clinical testing. Allele origin: germline.

Genetic Services Laboratory, University of Chicago
Classification: Likely benign. Last evaluated: 2017-09-28. Review status: criteria provided, single submitter. Criteria: ACMG Guidelines, 2015. Collection method: clinical testing. Allele origin: germline. Affected: no.

PreventionGenetics, part of Exact Sciences
Classification: Likely benign for TSEN34-related condition. Last evaluated: 2019-09-05. Review status: no assertion criteria provided. Collection method: clinical testing. Allele origin: germline. Not counted in ClinVar's aggregate classification.
Comment: This variant is classified as likely benign based on ACMG/AMP sequence variant interpretation guidelines (Richards et al. 2015 PMID: 25741868, with internal and published modifications).

NM_001077446.4(TSEN34):c.786C>T (p.Cys262=)

Gene: TSEN34 (tRNA splicing endonuclease subunit 34; plus strand). Cytogenetic location: 19q13.42.
Variant type: single nucleotide variant.
Coding change: c.786C>T on transcript NM_001077446.4 (MANE Select); coding-DNA position 786, C replaced by T.
Protein change: p.Cys262=; no amino-acid change (cysteine 262 retained).
Molecular consequence: synonymous variant.
Genome position (GRCh38, 1-based): chr19:54,193,215, C>T. VCF-style: chr19-54193215-C-T. GRCh37 (hg19) VCF-style: chr19-54697070-C-T.
Other names: c.786C>T, p.Cys262= (NM_001282332.2, NM_001282333.2, NM_001386740.1 and 1 more transcripts).
Identifiers: ClinVar variation 382027 (VCV000382027.50), dbSNP rs749845322, ClinGen allele CA309376252.
Genomic context (GRCh38, chr19:54,193,215, plus strand): 5'-TGCCTCTCTCCTTCCCCCAGGTGACCCCCTCCGCTTCCACGCCCATTATATCGCTCAGTG[C>T]TGGGCCCCTGAGGACACCATCCCACTCCAAGACCTGGTTGCTGCTGGGCGCCTTGGAACC-3'
Protein context (NP_001070914.1, residues 252-272): LRFHAHYIAQ[Cys262=]WAPEDTIPLQ